The following is an entry in ClinVar:

NM_024577.4(SH3TC2):c.2576A>G (p.Tyr859Cys)

Gene: SH3TC2 (SH3 domain and tetratricopeptide repeats 2; minus strand). Cytogenetic location: 5q32.
Variant type: single nucleotide variant.
Coding change: c.2576A>G on transcript NM_024577.4 (MANE Select); coding-DNA position 2576, A replaced by G.
Protein change: p.Tyr859Cys; replaces tyrosine 859 with cysteine.
Molecular consequence: missense variant.
Genome position (GRCh38, 1-based): chr5:149,027,156, T>C on the plus strand (A>G on the coding strand, the complement: SH3TC2 is on the minus strand). VCF-style: chr5-149027156-T-C. GRCh37 (hg19) VCF-style: chr5-148406719-T-C.
Other names: short protein forms Y859C.
Identifiers: ClinVar variation 2197710 (VCV002197710.4), dbSNP rs766509102, ClinGen allele CA3498969.

ClinVar aggregate classification (germline): Uncertain significance (1 of 4 stars; one submission).

Conditions:
Charcot-Marie-Tooth disease type 4. Also called: Charcot-Marie-Tooth disease, type IV; Charcot-Marie-Tooth, Type 4. Identifiers: Orphanet 64749, MedGen C4082197, MONDO:0018995.

Allele frequency attached by ClinVar (database versions not stated): gnomAD exomes below 0.00001; ExAC 0.00001.

Submission:

Labcorp Genetics (formerly Invitae), Labcorp
Classification: Uncertain significance for Charcot-Marie-Tooth disease type 4. Last evaluated: 2022-06-29. Review status: criteria provided, single submitter. Criteria: Invitae Variant Classification Sherloc (09022015). Collection method: clinical testing. Allele origin: germline.
Comment: This sequence change replaces tyrosine, which is neutral and polar, with cysteine, which is neutral and slightly polar, at codon 859 of the SH3TC2 protein (p.Tyr859Cys). In summary, the available evidence is currently insufficient to determine the role of this variant in disease. Therefore, it has been classified as a Variant of Uncertain Significance. Advanced modeling of protein sequence and biophysical properties (such as structural, functional, and spatial information, amino acid conservation, physicochemical variation, residue mobility, and thermodynamic stability) performed at Invitae indicates that this missense variant is not expected to disrupt SH3TC2 protein function. This variant has not been reported in the literature in individuals affected with SH3TC2-related conditions. This variant is present in population databases (rs766509102, gnomAD 0.0009%).